The following is an entry in ClinVar:

NM_001291303.3(FAT4):c.1273G>C (p.Ala425Pro)

Gene: FAT4 (FAT atypical cadherin 4; plus strand). Cytogenetic location: 4q28.1.
Variant type: single nucleotide variant.
Coding change: c.1273G>C on transcript NM_001291303.3 (MANE Select); coding-DNA position 1273, G replaced by C.
Protein change: p.Ala425Pro; replaces alanine 425 with proline.
Molecular consequence: missense variant.
Genome position (GRCh38, 1-based): chr4:125,317,684, G>C. VCF-style: chr4-125317684-G-C. GRCh37 (hg19) VCF-style: chr4-126238839-G-C.
Other names: c.1273G>C, p.Ala425Pro (NM_001291285.3, NM_024582.6); short protein forms A425P.
Identifiers: ClinVar variation 1490913 (VCV001490913.5), dbSNP rs138548779, ClinGen allele CA3071952.

ClinVar aggregate classification (germline): Uncertain significance (1 of 4 stars; one submission).

Allele frequency attached by ClinVar (database versions not stated): gnomAD 0.00001 and 0.00002; 1000 Genomes Project 0.00020; 1000 Genomes Project 30x 0.00031.
gnomAD v4.1: 13 of 1,614,064 alleles (0.00081%); highest among the groups gnomAD compares: Admixed American, 0.02%; no homozygotes.

Submission:

Labcorp Genetics (formerly Invitae), Labcorp
Classification: Uncertain significance. Last evaluated: 2021-09-24. Review status: criteria provided, single submitter. Criteria: Invitae Variant Classification Sherloc (09022015). Collection method: clinical testing. Allele origin: germline.
Comment: This sequence change replaces alanine with proline at codon 425 of the FAT4 protein (p.Ala425Pro). The alanine residue is highly conserved and there is a small physicochemical difference between alanine and proline. This variant is present in population databases (rs138548779, ExAC 0.03%). This variant has not been reported in the literature in individuals with FAT4-related conditions. Advanced modeling of protein sequence and biophysical properties (such as structural, functional, and spatial information, amino acid conservation, physicochemical variation, residue mobility, and thermodynamic stability) performed at Invitae indicates that this missense variant is not expected to disrupt FAT4 protein function. In summary, the available evidence is currently insufficient to determine the role of this variant in disease. Therefore, it has been classified as a Variant of Uncertain Significance.